The following is an entry in ClinVar:

ClinVar aggregate classification (germline): Pathogenic. Review status: criteria provided, multiple submitters, no conflicts (2 of 4 stars). 2 submissions from 2 submitters: Pathogenic (2). Last evaluated 2025-06-04.

Conditions:
Hereditary cancer-predisposing syndrome. Also called: Hereditary neoplastic syndrome; Tumor predisposition; Neoplastic Syndromes, Hereditary; Hereditary Cancer Syndrome. Identifiers: Orphanet 140162, MedGen C0027672, MeSH D009386, MONDO:0015356.
Tuberous sclerosis 2 (TSC2). Identifiers: Orphanet 805, MedGen C1860707, MONDO:0013199, OMIM 613254.

Submissions (2):

Labcorp Genetics (formerly Invitae), Labcorp
Classification: Pathogenic for Tuberous sclerosis 2. Last evaluated: 2025-06-04. Review status: criteria provided, single submitter. Criteria: Invitae Variant Classification Sherloc (09022015). Collection method: clinical testing. Allele origin: germline.
Comment: This sequence change affects an acceptor splice site in intron 40 of the TSC2 gene. It is expected to disrupt RNA splicing. Variants that disrupt the donor or acceptor splice site typically lead to a loss of protein function (PMID: 16199547), and loss-of-function variants in TSC2 are known to be pathogenic (PMID: 10205261, 17304050). This variant is not present in population databases (gnomAD no frequency). Disruption of this splice site has been observed in individuals with clinical features of tuberous sclerosis complex (PMID: 29432982, 29801666). ClinVar contains an entry for this variant (Variation ID: 427999). Algorithms developed to predict the effect of sequence changes on RNA splicing suggest that this variant may disrupt the consensus splice site. For these reasons, this variant has been classified as Pathogenic.

Ambry Genetics
Classification: Pathogenic for Hereditary cancer-predisposing syndrome. Last evaluated: 2016-11-16. Review status: criteria provided, single submitter. Criteria: Ambry Variant Classification Scheme 2023. Collection method: clinical testing. Allele origin: germline.
Comment: The c.5161-2A>G intronic pathogenic mutation results from an A to G substitution two nucleotides upstream from coding exon 40 in the TSC2 gene. Alterations that disrupt the canonical splice site are expected to cause aberrant splicing, resulting in an abnormal protein or a transcript that is subject to nonsense-mediated mRNA decay. As such, this alteration is classified as a disease-causing mutation.

Literature cited by the submitters: PubMed 16199547 (cited by Labcorp Genetics (formerly Invitae), Labcorp); PubMed 10205261 (cited by Labcorp Genetics (formerly Invitae), Labcorp); PubMed 17304050 (cited by Labcorp Genetics (formerly Invitae), Labcorp); PubMed 29432982 (cited by Labcorp Genetics (formerly Invitae), Labcorp); PubMed 29801666 (cited by Labcorp Genetics (formerly Invitae), Labcorp).

NM_000548.5(TSC2):c.5161-2A>G

Gene: TSC2 (TSC complex subunit 2; plus strand). Cytogenetic location: 16p13.3.
Variant type: single nucleotide variant.
Coding change: c.5161-2A>G on transcript NM_000548.5 (MANE Select); the canonical splice acceptor site of the intron before coding-DNA position 5161, A replaced by G.
Molecular consequence: splice acceptor variant. On other transcripts: intron variant (1).
Genome position (GRCh38, 1-based): chr16:2,088,225, A>G. VCF-style: chr16-2088225-A-G. GRCh37 (hg19) VCF-style: chr16-2138226-A-G.
Other names: c.3619-2A>G (NM_001406694.1, NM_001406693.1, NM_001406692.1); c.3616-2A>G (NM_001406695.1, NM_001406696.1, NM_001406697.1); c.4951-2A>G (NM_001406671.1); c.4948-2A>G (NM_001406673.1); c.4501-2A>G (NM_001406681.1); c.4981-2A>G (NM_001406670.1); c.4852-2A>G (NM_001318827.2); c.4849-2A>G (NM_001406678.1); and 27 more.
Identifiers: ClinVar variation 427999 (VCV000427999.10), dbSNP rs1114167468, ClinGen allele CA394313791.